The following is an entry in ClinVar:

NM_138383.3(MTSS2):c.1248C>T (p.Gly416=)

Gene: MTSS2 (MTSS I-BAR domain containing 2; minus strand). Cytogenetic location: 16q22.1.
Variant type: single nucleotide variant.
Coding change: c.1248C>T on transcript NM_138383.3 (MANE Select); coding-DNA position 1248, C replaced by T.
Protein change: p.Gly416=; no amino-acid change (glycine 416 retained).
Molecular consequence: synonymous variant.
Genome position (GRCh38, 1-based): chr16:70,664,977, G>A on the plus strand (C>T on the coding strand, the complement: MTSS2 is on the minus strand). VCF-style: chr16-70664977-G-A. GRCh37 (hg19) VCF-style: chr16-70698880-G-A.
Identifiers: ClinVar variation 4874722 (VCV004874722.2).

ClinVar aggregate classification (germline): Likely benign (1 of 4 stars; one submission).

gnomAD v4.1: 5 of 1,583,942 alleles (0.00032%); highest among the groups gnomAD compares: African/African-American, 0.0027%; no homozygotes.

Submission:

CeGaT Center for Human Genetics Tuebingen
Classification: Likely benign. Last evaluated: 2026-04-01. Review status: criteria provided, single submitter. Criteria: CeGaT Center For Human Genetics Tuebingen Variant Classification Criteria Version 2. Collection method: clinical testing. Allele origin: germline. Affected: yes. Observed: 1 variant allele.
Comment: MTSS2: BP4, BP7